The following is an entry in ClinVar:

ClinVar aggregate classification (germline): Uncertain significance (1 of 4 stars; one submission).

Conditions:
Early Myoclonic Encephalopathy. Identifiers: MedGen C0270855.

gnomAD v4.1: 1 of 1,614,104 alleles (0.000062%); highest among the groups gnomAD compares: Non-Finnish European, 0.000085%; no homozygotes.

Submission:

Labcorp Genetics (formerly Invitae), Labcorp
Classification: Uncertain significance for Early Myoclonic Encephalopathy. Last evaluated: 2024-02-16. Review status: criteria provided, single submitter. Criteria: Invitae Variant Classification Sherloc (09022015). Collection method: clinical testing. Allele origin: germline.
Comment: This sequence change replaces tyrosine, which is neutral and polar, with histidine, which is basic and polar, at codon 714 of the JMJD1C protein (p.Tyr714His). This variant is present in population databases (no rsID available, gnomAD 0.007%). This variant has not been reported in the literature in individuals affected with JMJD1C-related conditions. Advanced modeling of protein sequence and biophysical properties (such as structural, functional, and spatial information, amino acid conservation, physicochemical variation, residue mobility, and thermodynamic stability) performed at Invitae indicates that this missense variant is expected to disrupt JMJD1C protein function with a positive predictive value of 80%. In summary, the available evidence is currently insufficient to determine the role of this variant in disease. Therefore, it has been classified as a Variant of Uncertain Significance.

NM_032776.3(JMJD1C):c.2140T>C (p.Tyr714His)

Gene: JMJD1C (jumonji domain containing 1C; minus strand). Cytogenetic location: 10q21.3.
Variant type: single nucleotide variant.
Coding change: c.2140T>C on transcript NM_032776.3 (MANE Select); coding-DNA position 2140, T replaced by C.
Protein change: p.Tyr714His; replaces tyrosine 714 with histidine.
Molecular consequence: missense variant. On other transcripts: non-coding transcript variant (1).
Genome position (GRCh38, 1-based): chr10:63,214,027, A>G on the plus strand (T>C on the coding strand, the complement: JMJD1C is on the minus strand). VCF-style: chr10-63214027-A-G. GRCh37 (hg19) VCF-style: chr10-64973787-A-G.
Other names: c.1594T>C, p.Tyr532His (NM_001282948.2, NM_001318154.2); c.1276T>C, p.Tyr426His (NM_001318153.2); c.2026T>C, p.Tyr676His (NM_001322252.2); c.1483T>C, p.Tyr495His (NM_001322254.2, NM_001322258.2); short protein forms Y426H, Y495H, Y532H, Y676H, Y714H.
Identifiers: ClinVar variation 3605684 (VCV003605684.2).